The following is an entry in ClinVar:

NM_139057.4(ADAMTS17):c.2443_2449del (p.Gln815fs)

Gene: ADAMTS17 (ADAM metallopeptidase with thrombospondin type 1 motif 17; minus strand). Cytogenetic location: 15q26.3.
Variant type: Deletion.
Coding change: c.2443_2449del on transcript NM_139057.4 (MANE Select); coding-DNA positions 2443 to 2449, 7 bases deleted (CAGTGCG; older notation c.2443_2449delCAGTGCG).
Protein change: p.Gln815fs; shifts the reading frame from glutamine 815.
Molecular consequence: frameshift variant.
Genome position (GRCh38, 1-based): chr15:100,051,578-100,051,584, CGCACTG deleted on the plus strand (CAGTGCG on the coding strand, the reverse complement: ADAMTS17 is on the minus strand); deleting any 7 consecutive bases within chr15:100,051,578-100,051,585 gives the same sequence; the c. name uses the placement nearest the transcript's 3' end. VCF-style (leftmost placement, unchanged base first): chr15-100051577-CCGCACTG-C. GRCh37 (hg19) VCF-style: chr15-100591782-CCGCACTG-C.
Other names: short protein forms Q815fs.
Identifiers: ClinVar variation 2737866 (VCV002737866.3), dbSNP rs2548125094, ClinGen allele CA2697549396.

ClinVar aggregate classification (germline): Pathogenic (1 of 4 stars; one submission).

Submission:

Labcorp Genetics (formerly Invitae), Labcorp
Classification: Pathogenic. Last evaluated: 2023-05-27. Review status: criteria provided, single submitter. Criteria: Invitae Variant Classification Sherloc (09022015). Collection method: clinical testing. Allele origin: germline.
Comment: For these reasons, this variant has been classified as Pathogenic. This variant has not been reported in the literature in individuals affected with ADAMTS17-related conditions. This variant is not present in population databases (gnomAD no frequency). This sequence change creates a premature translational stop signal (p.Gln815Alafs*22) in the ADAMTS17 gene. It is expected to result in an absent or disrupted protein product. Loss-of-function variants in ADAMTS17 are known to be pathogenic (PMID: 19836009, 24940034).

Literature cited by the submitters: PubMed 19836009; PubMed 24940034.